The following is an entry in ClinVar:

NM_024577.4(SH3TC2):c.2044A>G (p.Lys682Glu)

Gene: SH3TC2 (SH3 domain and tetratricopeptide repeats 2; minus strand). Cytogenetic location: 5q32.
Variant type: single nucleotide variant.
Coding change: c.2044A>G on transcript NM_024577.4 (MANE Select); coding-DNA position 2044, A replaced by G.
Protein change: p.Lys682Glu; replaces lysine 682 with glutamic acid.
Molecular consequence: missense variant.
Genome position (GRCh38, 1-based): chr5:149,027,688, T>C on the plus strand (A>G on the coding strand, the complement: SH3TC2 is on the minus strand). VCF-style: chr5-149027688-T-C. GRCh37 (hg19) VCF-style: chr5-148407251-T-C.
Other names: short protein forms K682E.
Identifiers: ClinVar variation 4987524 (VCV004987524.1).

ClinVar aggregate classification (germline): Uncertain significance (1 of 4 stars; one submission).

Conditions:
SH3TC2-related disorder. Also called: SH3TC2-related condition; SH3TC2-related disorders. Identifiers: MedGen CN239303.

Submission:

PreventionGenetics, part of Exact Sciences
Classification: Uncertain significance for SH3TC2-related condition. Last evaluated: 2026-07-21. Review status: criteria provided, single submitter. Criteria: ACMG Guidelines, 2015. Collection method: clinical testing. Allele origin: germline.
Comment: The SH3TC2 c.2044A>G variant is predicted to result in the amino acid substitution p.Lys682Glu. To our knowledge, this variant has not been reported in the literature or in a large population database (gnomAD), indicating this variant is rare. At this time, the clinical significance of this variant is uncertain due to the absence of conclusive functional and genetic evidence.